The following is an entry in ClinVar:

NM_006269.2(RP1):c.1380G>C (p.Lys460Asn)

Gene: RP1 (RP1 axonemal microtubule associated; plus strand). Cytogenetic location: 8q12.1.
Variant type: single nucleotide variant.
Coding change: c.1380G>C on transcript NM_006269.2 (MANE Select); coding-DNA position 1380, G replaced by C.
Protein change: p.Lys460Asn; replaces lysine 460 with asparagine.
Molecular consequence: missense variant. On other transcripts: intron variant (1).
Genome position (GRCh38, 1-based): chr8:54,625,262, G>C. VCF-style: chr8-54625262-G-C. GRCh37 (hg19) VCF-style: chr8-55537822-G-C.
Other names: c.787+2974G>C (NM_001375654.1); short protein forms K460N.
Identifiers: ClinVar variation 811132 (VCV000811132.22), dbSNP rs143494598, ClinGen allele CA4751367.
Genomic context (GRCh38, chr8:54,625,262, plus strand): 5'-CCAAGCAAAGCATCGTTTTTATAGGCCCCCTACACCTGGACTAAGAAGAGTGAGACAAAA[G>C]AAATCTGTGATTGGCAGTGTGACCTTAGTATCTGAAACTGAGGTTCAAGAGAAAATGATT-3'
Protein context (NP_006260.1, residues 450-470): PTPGLRRVRQ[Lys460Asn]KSVIGSVTLV

ClinVar aggregate classification (germline): Conflicting classifications of pathogenicity. Review status: criteria provided, conflicting classifications (1 of 4 stars). 7 submissions from 7 submitters: Uncertain significance (6); Likely benign (1). Last evaluated 2025-09-28.

Conditions:
Retinal dystrophy. Also called: Inherited retinal dystrophy. Identifiers: Orphanet 71862, MedGen C0854723, MeSH D058499, MONDO:0019118, HP:0000556.
Retinitis pigmentosa (RP). Identifiers: Orphanet 791, MedGen C0035334, MeSH D012174, MONDO:0019200, OMIM 268000. Inheritance: Autosomal dominant, autosomal recessive and X linked inheritance.
RP1-related disorder. Also called: RP1-related condition.
Retinitis pigmentosa 1 (RP1). Identifiers: Orphanet 791, MedGen C0220701, MONDO:0008377, OMIM 180100.

Allele frequency attached by ClinVar (database versions not stated): ExAC 0.00004; TOPMed 0.00004; gnomAD 0.00005 and 0.00006; gnomAD exomes 0.00005; 1000 Genomes Project 30x 0.00016; 1000 Genomes Project 0.00020.
gnomAD v4.1: 60 of 1,614,142 alleles (0.0037%); highest among the groups gnomAD compares: Middle Eastern, 0.16%; no homozygotes.

Submissions (7):

Labcorp Genetics (formerly Invitae), Labcorp
Classification: Uncertain significance. Last evaluated: 2025-09-28. Review status: criteria provided, single submitter. Criteria: Invitae Variant Classification Sherloc (09022015). Collection method: clinical testing. Allele origin: germline.
Comment: This sequence change replaces lysine, which is basic and polar, with asparagine, which is neutral and polar, at codon 460 of the RP1 protein (p.Lys460Asn). This variant is present in population databases (rs143494598, gnomAD 0.009%). This missense change has been observed in individual(s) with clinical features of retinitis pigmentosa (PMID: 15994872, 24265693). ClinVar contains an entry for this variant (Variation ID: 811132). An algorithm developed to predict the effect of missense changes on protein structure and function (PolyPhen-2) suggests that this variant is likely to be disruptive. In summary, the available evidence is currently insufficient to determine the role of this variant in disease. Therefore, it has been classified as a Variant of Uncertain Significance.

PreventionGenetics, part of Exact Sciences
Classification: Uncertain significance for RP1-related condition. Last evaluated: 2024-12-10. Review status: criteria provided, single submitter. Criteria: ACMG Guidelines, 2015. Collection method: clinical testing. Allele origin: germline.
Comment: The RP1 c.1380G>C variant is predicted to result in the amino acid substitution p.Lys460Asn. This variant has been reported in an individual with autosomal dominant retinitis pigmentosa (Ziviello et al. 2005. PubMed ID: 15994872). This variant is reported in 0.0097% of alleles in individuals of European (Non-Finnish) descent in gnomAD. At this time, the clinical significance of this variant is uncertain due to the absence of conclusive functional and genetic evidence.

Blueprint Genetics
Classification: Uncertain significance. Last evaluated: 2024-10-11. Review status: criteria provided, single submitter. Criteria: ACMG Guidelines, 2015. Collection method: clinical testing. Allele origin: germline.

Revvity Omics, Revvity
Classification: Uncertain significance for Retinitis pigmentosa 1. Last evaluated: 2022-03-21. Review status: criteria provided, single submitter. Criteria: ACMG Guidelines, 2015. Collection method: clinical testing. Allele origin: germline.

Institute of Human Genetics, Univ. Regensburg, Univ. Regensburg
Classification: Uncertain significance for Retinal dystrophy. Last evaluated: 2022-01-01. Review status: criteria provided, single submitter. Criteria: ACMG Guidelines, 2015. Collection method: clinical testing. Allele origin: germline. Affected: yes.

ARUP Laboratories, Molecular Genetics and Genomics, ARUP Laboratories
Classification: Uncertain significance for Retinitis pigmentosa 1. Last evaluated: 2018-09-27. Review status: criteria provided, single submitter. Criteria: ARUP Molecular Germline Variant Investigation Process. Collection method: clinical testing. Allele origin: germline.
Comment: The RP1 c.1380G>C; p.Lys460Asn variant (rs143494598) is reported in the medical literature in an individual with an alternative molecular explanation for disease (Eisenberger 2013). The variant is reported in the general population with an allele frequency of 0.005% (14/276878 alleles) in the Genome Aggregation Database. The lysine at this position is conserved and computational algorithms (PolyPhen-2, SIFT) predict this variant is tolerated. Considering available information, the clinical significance of this variant is uncertain. Pathogenic RP1 variants are causative for autosomal dominant or recessive retinitis pigmentosa (MIM: 180100). References: Eisenberger T et al. Increasing the yield in targeted next-generation sequencing by implicating CNV analysis, non-coding exons and the overall variant load: the example of retinal dystrophies. PLoS One. 2013 Nov 12;8(11):e78496.

Illumina Laboratory Services, Illumina
Classification: Likely benign for Retinitis pigmentosa. Last evaluated: 2017-04-27. Review status: criteria provided, single submitter. Criteria: ICSL Variant Classification Criteria 13 December 2019. Collection method: clinical testing. Allele origin: germline.
Comment: This variant was observed as part of a predisposition screen in an ostensibly healthy population. A literature search was performed for the gene, cDNA change, and amino acid change (where applicable). No publications were found based on this search. Allele frequency data from public databases allowed determination this variant is unlikely to cause disease. Therefore, this variant is classified as likely benign.

Literature cited by the submitters: PubMed 15994872 (cited by Labcorp Genetics (formerly Invitae), Labcorp); PubMed 24265693 (cited by Labcorp Genetics (formerly Invitae), Labcorp and Institute of Human Genetics, Univ. Regensburg, Univ. Regensburg).